The following is an entry in ClinVar:

ClinVar aggregate classification (germline): Uncertain significance (0 of 4 stars; one submission).

Conditions:
VPS13B-related disorder. Also called: VPS13B-related condition.

Submission:

PreventionGenetics, part of Exact Sciences
Classification: Uncertain significance for VPS13B-related condition. Last evaluated: 2024-03-12. Review status: no assertion criteria provided. Collection method: clinical testing. Allele origin: germline.
Comment: The VPS13B c.9643C>G variant is predicted to result in the amino acid substitution p.Leu3215Val. To our knowledge, this variant has not been reported in the literature or in a large population database, indicating this variant is rare. At this time, the clinical significance of this variant is uncertain due to the absence of conclusive functional and genetic evidence.

NM_152564.5(VPS13B):c.9643C>G (p.Leu3215Val)

Gene: VPS13B (vacuolar protein sorting 13 homolog B; plus strand). Cytogenetic location: 8q22.2.
Variant type: single nucleotide variant.
Coding change: c.9643C>G on transcript NM_152564.5 (MANE Select); coding-DNA position 9643, C replaced by G.
Protein change: p.Leu3215Val; replaces leucine 3215 with valine.
Molecular consequence: missense variant.
Genome position (GRCh38, 1-based): chr8:99,835,225, C>G. VCF-style: chr8-99835225-C-G. GRCh37 (hg19) VCF-style: chr8-100847453-C-G.
Other names: c.9718C>G, p.Leu3240Val (NM_017890.5); short protein forms L3215V, L3240V.
Identifiers: ClinVar variation 3348757 (VCV003348757.1).